The following is an entry in ClinVar:

NM_001849.4(COL6A2):c.2725C>T (p.Gln909Ter)

Gene: COL6A2 (collagen type VI alpha 2 chain; plus strand). Cytogenetic location: 21q22.3.
Variant type: single nucleotide variant.
Coding change: c.2725C>T on transcript NM_001849.4 (MANE Select); coding-DNA position 2725, C replaced by T.
Protein change: p.Gln909Ter; replaces glutamine 909 with a stop codon.
Molecular consequence: nonsense.
Genome position (GRCh38, 1-based): chr21:46,132,217, C>T. VCF-style: chr21-46132217-C-T. GRCh37 (hg19) VCF-style: chr21-47552131-C-T.
Other names: short protein forms Q909*.
Identifiers: ClinVar variation 4710609 (VCV004710609.1).

ClinVar aggregate classification (germline): Pathogenic (1 of 4 stars; one submission).

Conditions:
Bethlem myopathy 1A. Also called: MYOPATHY, BENIGN CONGENITAL, WITH CONTRACTURES; Bethlem myopathy 1; Bethlem Muscular Dystrophy. Identifiers: Orphanet 610, MedGen CN029274, MONDO:0024530, OMIM 158810.

Submission:

Labcorp Genetics (formerly Invitae), Labcorp
Classification: Pathogenic for Bethlem myopathy 1A. Last evaluated: 2025-06-23. Review status: criteria provided, single submitter. Criteria: Invitae Variant Classification Sherloc (09022015). Collection method: clinical testing. Allele origin: germline.
Comment: This sequence change creates a premature translational stop signal (p.Gln909*) in the COL6A2 gene. While this is not anticipated to result in nonsense mediated decay, it is expected to disrupt the last 111 amino acid(s) of the COL6A2 protein. This variant is not present in population databases (gnomAD no frequency). This premature translational stop signal has been observed in individual(s) with Bethlem myopathy (PMID: 24271325). This variant disrupts a region of the COL6A2 protein in which other variant(s) (p.Thr948Arg) have been determined to be pathogenic (PMID: 35387801; internal data). This suggests that this is a clinically significant region of the protein, and that variants that disrupt it are likely to be disease-causing. For these reasons, this variant has been classified as Pathogenic.

Literature cited by the submitters: PubMed 24271325; PubMed 35387801.